The following is an entry in ClinVar:

NM_000350.3(ABCA4):c.6437G>A (p.Gly2146Asp)

Gene: ABCA4 (ATP binding cassette subfamily A member 4; minus strand). Cytogenetic location: 1p22.1.
Variant type: single nucleotide variant.
Coding change: c.6437G>A on transcript NM_000350.3 (MANE Select); coding-DNA position 6437, G replaced by A.
Protein change: p.Gly2146Asp; replaces glycine 2146 with aspartic acid.
Molecular consequence: missense variant.
Genome position (GRCh38, 1-based): chr1:94,000,878, C>T on the plus strand (G>A on the coding strand, the complement: ABCA4 is on the minus strand). VCF-style: chr1-94000878-C-T. GRCh37 (hg19) VCF-style: chr1-94466434-C-T.
Other names: c.6215G>A, p.Gly2072Asp (NM_001425324.1); short protein forms G2146D, G2072D.
Identifiers: ClinVar variation 99459 (VCV000099459.6), dbSNP rs61753044, ClinGen allele CA227403.

ClinVar aggregate classification (germline): Likely pathogenic. Review status: criteria provided, single submitter (1 of 4 stars). 2 submissions from 2 submitters: Likely pathogenic (1). 1 of the submissions does not count toward it. Last evaluated 2021-08-20.

Submissions (2):

Labcorp Genetics (formerly Invitae), Labcorp
Classification: Likely pathogenic. Last evaluated: 2021-08-20. Review status: criteria provided, single submitter. Criteria: Invitae Variant Classification Sherloc (09022015). Collection method: clinical testing. Allele origin: germline.
Comment: This sequence change replaces glycine with aspartic acid at codon 2146 of the ABCA4 protein (p.Gly2146Asp). The glycine residue is highly conserved and there is a moderate physicochemical difference between glycine and aspartic acid. This variant is not present in population databases (ExAC no frequency). This missense change has been observed in individual(s) with clinical features of ABCA4-related conditions and/or Stargardt disease (PMID: 11527935, 29854428). In at least one individual the data is consistent with the variant being in trans (on the opposite chromosome) from a pathogenic variant. ClinVar contains an entry for this variant (Variation ID: 99459). Advanced modeling of protein sequence and biophysical properties (such as structural, functional, and spatial information, amino acid conservation, physicochemical variation, residue mobility, and thermodynamic stability) performed at Invitae indicates that this missense variant is expected to disrupt ABCA4 protein function. Experimental studies have shown that this missense change affects ABCA4 function (PMID: 12962493). In summary, the currently available evidence indicates that the variant is pathogenic, but additional data are needed to prove that conclusively. Therefore, this variant has been classified as Likely Pathogenic.

Retina International
No classification provided. Review status: no classification provided. Collection method: not provided. Allele origin: not provided. Not counted in ClinVar's aggregate classification.

Literature cited by the submitters: PubMed 11527935 (cited by Labcorp Genetics (formerly Invitae), Labcorp); PubMed 29854428 (cited by Labcorp Genetics (formerly Invitae), Labcorp); PubMed 12962493 (cited by Labcorp Genetics (formerly Invitae), Labcorp).